The following is an entry in ClinVar:

NM_000642.3(AGL):c.2981A>C (p.Tyr994Ser)

Gene: AGL (amylo-alpha-1,6-glucosidase and 4-alpha-glucanotransferase; plus strand). Cytogenetic location: 1p21.2.
Variant type: single nucleotide variant.
Coding change: c.2981A>C on transcript NM_000642.3 (MANE Select); coding-DNA position 2981, A replaced by C.
Protein change: p.Tyr994Ser; replaces tyrosine 994 with serine.
Molecular consequence: missense variant.
Genome position (GRCh38, 1-based): chr1:99,891,637, A>C. VCF-style: chr1-99891637-A-C. GRCh37 (hg19) VCF-style: chr1-100357193-A-C.
Other names: c.2981A>C, p.Tyr994Ser (NM_000028.3, NM_000643.3, NM_000644.3 and 1 more transcripts); c.2933A>C, p.Tyr978Ser (NM_000646.3); c.2960A>C, p.Tyr987Ser (NM_001425326.1); c.2780A>C, p.Tyr927Ser (NM_001425327.1); c.2777A>C, p.Tyr926Ser (NM_001425328.1); c.2642A>C, p.Tyr881Ser (NM_001425329.1); c.2603A>C, p.Tyr868Ser (NM_001425332.1); short protein forms Y994S, Y978S, Y868S, Y881S, Y926S, Y927S, Y987S.
Identifiers: ClinVar variation 1505871 (VCV001505871.8), dbSNP rs1652908148, ClinGen allele CA341325751.

ClinVar aggregate classification (germline): Uncertain significance (1 of 4 stars; one submission).

Conditions:
Glycogen storage disease type III (GSD3). Also called: Cori disease; FORBES DISEASE. Identifiers: Orphanet 366, MedGen C0017922, MONDO:0009291, OMIM 232400.

Submission:

Labcorp Genetics (formerly Invitae), Labcorp
Classification: Uncertain significance for Glycogen storage disease type III. Last evaluated: 2021-09-29. Review status: criteria provided, single submitter. Criteria: Invitae Variant Classification Sherloc (09022015). Collection method: clinical testing. Allele origin: germline.
Comment: This variant is not present in population databases (ExAC no frequency). In summary, the available evidence is currently insufficient to determine the role of this variant in disease. Therefore, it has been classified as a Variant of Uncertain Significance. Algorithms developed to predict the effect of missense changes on protein structure and function (SIFT, PolyPhen-2, Align-GVGD) all suggest that this variant is likely to be tolerated, but these predictions have not been confirmed by published functional studies and their clinical significance is uncertain. This variant has not been reported in the literature in individuals with AGL-related conditions. This sequence change replaces tyrosine with serine at codon 994 of the AGL protein (p.Tyr994Ser). The tyrosine residue is moderately conserved and there is a large physicochemical difference between tyrosine and serine.